The following is an entry in ClinVar:

NM_006186.4(NR4A2):c.536_537delinsGC (p.Lys179Ser)

Gene: NR4A2 (nuclear receptor subfamily 4 group A member 2; minus strand). Cytogenetic location: 2q24.1.
Variant type: Indel.
Coding change: c.536_537delinsGC on transcript NM_006186.4 (MANE Select); coding-DNA positions 536 to 537, AG replaced by GC.
Protein change: p.Lys179Ser; replaces lysine 179 with serine.
Molecular consequence: missense variant.
Genome position (GRCh38, 1-based): chr2:156,329,650-156,329,651, CT replaced by GC on the plus strand (AG replaced by GC on the coding strand, the reverse complement: NR4A2 is on the minus strand). VCF-style: chr2-156329650-CT-GC. GRCh37 (hg19) VCF-style: chr2-157186162-CT-GC.
Other names: HZF-3; NOT; NURR1; RNR1; TINUR; c.347_348delinsGC, p.Lys116Ser (NM_173173.3); short protein forms K116S, K179S.
Identifiers: ClinVar variation 3338031 (VCV003338031.2).

ClinVar aggregate classification (germline): Uncertain significance (1 of 4 stars; one submission).

Conditions:
Intellectual developmental disorder with language impairment and early-onset DOPA-responsive dystonia-parkinsonism (IDLDP). Identifiers: Orphanet 660017, MedGen C5677001, MONDO:0859257, OMIM 619911.

Submission:

Center Lab, King Abdulaziz University
Classification: Uncertain significance for Intellectual developmental disorder with language impairment and early-onset DOPA-responsive dystonia-parkinsonism. Last evaluated: 2024-08-15. Review status: criteria provided, single submitter. Criteria: ACMG Guidelines, 2015. Collection method: case-control. Allele origin: de novo. Inheritance: Autosomal dominant inheritance. Affected: no. Observed: 1 heterozygote.
Comment: The NM_006186.4(NR4A2):c.536_537delinsGC(p.Lys179Ser) variant causes a missense change that is absent in control chromosomes in GnomAD project. The variant is very rare in population database, with no clinical significance assessments submitted in ClinVar. The variant got 2 ACMG points: 2P and 0B (PM2_SUP), classified as tolerated and benign according to SIFT and PolyPhen scores (0.12 and 0.077; respectively).

Literature cited by the submitters: PubMed 38440907.